The following is an entry in ClinVar:

NM_021098.3(CACNA1H):c.3598G>A (p.Asp1200Asn)

Gene: CACNA1H (calcium voltage-gated channel subunit alpha1 H; plus strand). Cytogenetic location: 16p13.3.
Variant type: single nucleotide variant.
Coding change: c.3598G>A on transcript NM_021098.3 (MANE Select); coding-DNA position 3598, G replaced by A.
Protein change: p.Asp1200Asn; replaces aspartic acid 1200 with asparagine.
Molecular consequence: missense variant.
Genome position (GRCh38, 1-based): chr16:1,209,266, G>A. VCF-style: chr16-1209266-G-A. GRCh37 (hg19) VCF-style: chr16-1259266-G-A.
Other names: c.3598G>A, p.Asp1200Asn (NM_001005407.2); short protein forms D1200N.
Identifiers: ClinVar variation 2573886 (VCV002573886.1), dbSNP rs2548691239, ClinGen allele CA394174100.
Genomic context (GRCh38, chr16:1,209,266, plus strand): 5'-GAGGACGGCAGGGCCGCGCCCGGGCCCCGTGCCACCCCACTGCGGCGGGCCGAGTCCCTG[G>A]ACCCACGGCCCCTGCGGCCGGCCGCCCTCCCGCCTACCAAGTGCCGCGATCGCGACGGGC-3'
Protein context (NP_066921.2, residues 1190-1210): ATPLRRAESL[Asp1200Asn]PRPLRPAALP

ClinVar aggregate classification (germline): Uncertain significance (1 of 4 stars; one submission).

Submission:

GeneDx
Classification: Uncertain significance. Last evaluated: 2023-01-23. Review status: criteria provided, single submitter. Criteria: GeneDx Variant Classification Process June 2021. Collection method: clinical testing. Allele origin: germline. Affected: yes.
Comment: Not observed at significant frequency in large population cohorts (gnomAD); In silico analysis supports that this missense variant has a deleterious effect on protein structure/function; Has not been previously published as pathogenic or benign to our knowledge